The following is an entry in ClinVar:

NM_001366145.2(TRPM3):c.2947G>T (p.Val983Phe)

Gene: TRPM3 (transient receptor potential cation channel subfamily M member 3; minus strand). Cytogenetic location: 9q21.12.
Variant type: single nucleotide variant.
Coding change: c.2947G>T on transcript NM_001366145.2 (MANE Select); coding-DNA position 2947, G replaced by T.
Protein change: p.Val983Phe; replaces valine 983 with phenylalanine.
Molecular consequence: missense variant.
Genome position (GRCh38, 1-based): chr9:70,598,520, C>A on the plus strand (G>T on the coding strand, the complement: TRPM3 is on the minus strand). VCF-style: chr9-70598520-C-A. GRCh37 (hg19) VCF-style: chr9-73213436-C-A.
Other names: c.2911G>T, p.Val971Phe (NM_001007471.4, NM_001366151.2); c.2917G>T, p.Val973Phe (NM_001366141.2, NM_001366143.2, NM_001366149.2); c.2953G>T, p.Val985Phe (NM_001366142.2); c.2947G>T, p.Val983Phe (NM_001366146.2); c.3022G>T, p.Val1008Phe (NM_001366147.2, NM_001366152.2); c.2992G>T, p.Val998Phe (NM_001366148.2); c.2881G>T, p.Val961Phe (NM_001366150.2); c.2488G>T, p.Val830Phe (NM_001366154.2, NM_024971.7); and 5 more; short protein forms V1008F, V808F, V818F, V820F, V830F, V833F, V843F, V961F.
Identifiers: ClinVar variation 3363957 (VCV003363957.1).

ClinVar aggregate classification (germline): Uncertain significance (1 of 4 stars; one submission).

Submission:

GeneDx
Classification: Uncertain significance. Last evaluated: 2023-11-06. Review status: criteria provided, single submitter. Criteria: GeneDx Variant Classification Process June 2021. Collection method: clinical testing. Allele origin: germline. Affected: yes.
Comment: Not observed at significant frequency in large population cohorts (gnomAD); In silico analysis supports that this missense variant has a deleterious effect on protein structure/function; Has not been previously published as pathogenic or benign to our knowledge